The following is an entry in ClinVar:

ClinVar aggregate classification (germline): Uncertain significance (1 of 4 stars; one submission).

gnomAD v4.1: 49 of 1,610,414 alleles (0.003%); highest among the groups gnomAD compares: Admixed American, 0.005%; no homozygotes.

Submission:

Labcorp Genetics (formerly Invitae), Labcorp
Classification: Uncertain significance. Last evaluated: 2025-02-18. Review status: criteria provided, single submitter. Criteria: Invitae Variant Classification Sherloc (09022015). Collection method: clinical testing. Allele origin: germline.
Comment: This sequence change replaces asparagine, which is neutral and polar, with tyrosine, which is neutral and polar, at codon 525 of the MYO3A protein (p.Asn525Tyr). This variant is present in population databases (rs775770061, gnomAD 0.01%). This variant has not been reported in the literature in individuals affected with MYO3A-related conditions. Invitae Evidence Modeling of protein sequence and biophysical properties (such as structural, functional, and spatial information, amino acid conservation, physicochemical variation, residue mobility, and thermodynamic stability) indicates that this missense variant is expected to disrupt MYO3A protein function with a positive predictive value of 80%. In summary, the available evidence is currently insufficient to determine the role of this variant in disease. Therefore, it has been classified as a Variant of Uncertain Significance.

NM_017433.5(MYO3A):c.1573A>T (p.Asn525Tyr)

Gene: MYO3A (myosin IIIA; plus strand). Cytogenetic location: 10p12.1.
Variant type: single nucleotide variant.
Coding change: c.1573A>T on transcript NM_017433.5 (MANE Select); coding-DNA position 1573, A replaced by T.
Protein change: p.Asn525Tyr; replaces asparagine 525 with tyrosine.
Molecular consequence: missense variant.
Genome position (GRCh38, 1-based): chr10:26,096,391, A>T. VCF-style: chr10-26096391-A-T. GRCh37 (hg19) VCF-style: chr10-26385320-A-T.
Other names: short protein forms N525Y.
Identifiers: ClinVar variation 4693447 (VCV004693447.1).